The following is an entry in ClinVar:

NM_032620.4(GTPBP3):c.839A>G (p.Glu280Gly)

Gene: GTPBP3 (GTP binding protein 3, mitochondrial; plus strand). Cytogenetic location: 19p13.11.
Variant type: single nucleotide variant.
Coding change: c.839A>G on transcript NM_032620.4 (MANE Select); coding-DNA position 839, A replaced by G.
Protein change: p.Glu280Gly; replaces glutamic acid 280 with glycine.
Molecular consequence: missense variant.
Genome position (GRCh38, 1-based): chr19:17,339,464, A>G. VCF-style: chr19-17339464-A-G. GRCh37 (hg19) VCF-style: chr19-17450273-A-G.
Other names: c.839A>G, p.Glu280Gly (NM_001128855.3); c.905A>G, p.Glu302Gly (NM_001195422.1); c.935A>G, p.Glu312Gly (NM_133644.4); c.935A>G (NM_133644.3); short protein forms E280G, E302G, E312G.
Identifiers: ClinVar variation 1490104 (VCV001490104.8), dbSNP rs922726465, ClinGen allele CA306062621.
Genomic context (GRCh38, chr19:17,339,464, plus strand): 5'-CCCTCTCCTCTTCTTCTGACCCTCCCCCAGGTCGGAAGCCTGTGTCCATCGTGTCCCCGG[A>G]GCCAGGGACCACCCGTGACGTGCTGGAGACCCCAGTCGACCTGGCCGGATTTCCTGTGCT-3'
Protein context (NP_116009.2, residues 270-290): SRKPVSIVSP[Glu280Gly]PGTTRDVLET

ClinVar aggregate classification (germline): Uncertain significance. Review status: criteria provided, multiple submitters, no conflicts (2 of 4 stars). 3 submissions from 3 submitters: Uncertain significance (3). Last evaluated 2026-02-03.

Conditions:
Inborn genetic diseases. Identifiers: MedGen C0950123, MeSH D030342.

Allele frequency attached by ClinVar (database versions not stated): gnomAD exomes below 0.00001; TOPMed below 0.00001.

Submissions (3):

GeneDx
Classification: Uncertain significance. Last evaluated: 2026-02-03. Review status: criteria provided, single submitter. Criteria: GeneDx Variant Classification Process June 2021. Collection method: clinical testing. Allele origin: germline.
Comment: Not observed at significant frequency in large population cohorts (gnomAD); In silico analysis suggests that this missense variant does not alter protein structure/function; Has not been previously published as pathogenic or benign to our knowledge

Ambry Genetics
Classification: Uncertain significance for Inborn genetic diseases. Last evaluated: 2025-09-10. Review status: criteria provided, single submitter. Criteria: Ambry Variant Classification Scheme 2023. Collection method: clinical testing. Allele origin: germline.

Labcorp Genetics (formerly Invitae), Labcorp
Classification: Uncertain significance. Last evaluated: 2024-11-18. Review status: criteria provided, single submitter. Criteria: Invitae Variant Classification Sherloc (09022015). Collection method: clinical testing. Allele origin: germline.
Comment: This sequence change replaces glutamic acid, which is acidic and polar, with glycine, which is neutral and non-polar, at codon 312 of the GTPBP3 protein (p.Glu312Gly). This variant is not present in population databases (gnomAD no frequency). This variant has not been reported in the literature in individuals affected with GTPBP3-related conditions. ClinVar contains an entry for this variant (Variation ID: 1490104). Invitae Evidence Modeling of protein sequence and biophysical properties (such as structural, functional, and spatial information, amino acid conservation, physicochemical variation, residue mobility, and thermodynamic stability) indicates that this missense variant is not expected to disrupt GTPBP3 protein function with a negative predictive value of 80%. In summary, the available evidence is currently insufficient to determine the role of this variant in disease. Therefore, it has been classified as a Variant of Uncertain Significance.